The following is an entry in ClinVar:

NM_001035.3(RYR2):c.3424-113C>T

Gene: RYR2 (ryanodine receptor 2; plus strand). Cytogenetic location: 1q43.
Variant type: single nucleotide variant.
Coding change: c.3424-113C>T on transcript NM_001035.3 (MANE Select); 113 bases into the intron before coding-DNA position 3424, C replaced by T.
Molecular consequence: intron variant.
Genome position (GRCh38, 1-based): chr1:237,569,032, C>T. VCF-style: chr1-237569032-C-T. GRCh37 (hg19) VCF-style: chr1-237732332-C-T.
Identifiers: ClinVar variation 671752 (VCV000671752.1), dbSNP rs2618717, ClinGen allele CA10915893.

ClinVar aggregate classification (germline): Benign (1 of 4 stars; one submission).

Allele frequency attached by ClinVar (database versions not stated): 1000 Genomes Project 30x 0.50078; 1000 Genomes Project 0.50120; TOPMed 0.57484; gnomAD 0.57985 and 0.58237; gnomAD exomes 0.68423.
gnomAD v4.1: 563,146 of 846,280 alleles (67%); highest among the groups gnomAD compares: Non-Finnish European, 72%; 194,493 homozygotes.

Submission:

GeneDx
Classification: Benign. Last evaluated: 2018-06-15. Review status: criteria provided, single submitter. Criteria: GeneDx Variant Classification (06012015). Collection method: clinical testing. Allele origin: germline. Affected: yes.
Comment: This variant is considered likely benign or benign based on one or more of the following criteria: it is a conservative change, it occurs at a poorly conserved position in the protein, it is predicted to be benign by multiple in silico algorithms, and/or has population frequency not consistent with disease.